The following is an entry in ClinVar:

ClinVar aggregate classification (germline): Uncertain significance (1 of 4 stars; one submission).

Conditions:
IFT172-related disorder. Also called: IFT172-related condition; IFT172-related disorders.

Submission:

PreventionGenetics, part of Exact Sciences
Classification: Uncertain significance for IFT172-related condition. Last evaluated: 2025-02-06. Review status: criteria provided, single submitter. Criteria: ACMG Guidelines, 2015. Collection method: clinical testing. Allele origin: germline.
Comment: The IFT172 c.94G>C variant is predicted to result in the amino acid substitution p.Ala32Pro. To our knowledge, this variant has not been reported in the literature or in a large population database (gnomAD), indicating this variant is rare. At this time, the clinical significance of this variant is uncertain due to the absence of conclusive functional and genetic evidence.

NM_015662.3(IFT172):c.94G>C (p.Ala32Pro)

Gene: IFT172 (intraflagellar transport 172; minus strand). Cytogenetic location: 2p23.3.
Variant type: single nucleotide variant.
Coding change: c.94G>C on transcript NM_015662.3 (MANE Select); coding-DNA position 94, G replaced by C.
Protein change: p.Ala32Pro; replaces alanine 32 with proline.
Molecular consequence: missense variant.
Genome position (GRCh38, 1-based): chr2:27,485,449, C>G on the plus strand (G>C on the coding strand, the complement: IFT172 is on the minus strand). VCF-style: chr2-27485449-C-G. GRCh37 (hg19) VCF-style: chr2-27708316-C-G.
Other names: c.94G>C, p.Ala32Pro (NM_001410739.1); short protein forms A32P.
Identifiers: ClinVar variation 4999571 (VCV004999571.1).
Genomic context (GRCh38, chr2:27,485,449, plus strand): 5'-TATCTCTCCGTTCTCCATGTTCATCATACAGCAAGACCACTCGGTCCACTGTGCAGACAG[C>G]AAATTTGGCATTGTTCTGGGACCAAGCCATGCAGGTCACCTTTGCAGCTCCATCCTGTAG-3'
Protein context (NP_056477.1, residues 22-42): MAWSQNNAKF[Ala32Pro]VCTVDRVVLL